The following is an entry in ClinVar:

NM_000642.3(AGL):c.2308G>C (p.Gly770Arg)

Gene: AGL (amylo-alpha-1,6-glucosidase and 4-alpha-glucanotransferase; plus strand). Cytogenetic location: 1p21.2.
Variant type: single nucleotide variant.
Coding change: c.2308G>C on transcript NM_000642.3 (MANE Select); coding-DNA position 2308, G replaced by C.
Protein change: p.Gly770Arg; replaces glycine 770 with arginine.
Molecular consequence: missense variant.
Genome position (GRCh38, 1-based): chr1:99,881,691, G>C. VCF-style: chr1-99881691-G-C. GRCh37 (hg19) VCF-style: chr1-100347247-G-C.
Other names: c.2308G>C, p.Gly770Arg (NM_000643.3, NM_000644.3, NM_001425325.1 and 2 more transcripts); c.2260G>C, p.Gly754Arg (NM_000646.3); c.2107G>C, p.Gly703Arg (NM_001425327.1); c.2104G>C, p.Gly702Arg (NM_001425328.1, NM_001425329.1); c.1930G>C, p.Gly644Arg (NM_001425332.1); c.2308G>C (NM_000642.2); short protein forms G754R, G770R, G644R, G702R, G703R.
Identifiers: ClinVar variation 656315 (VCV000656315.56), dbSNP rs149914040, ClinGen allele CA966736.

ClinVar aggregate classification (germline): Uncertain significance. Review status: criteria provided, multiple submitters, no conflicts (2 of 4 stars). 8 submissions from 8 submitters: Uncertain significance (7). 1 of the submissions does not count toward it. Last evaluated 2026-01-16.

Conditions:
Inborn genetic diseases. Identifiers: MedGen C0950123, MeSH D030342.
Glycogen storage disease type III (GSD3). Also called: Cori disease; FORBES DISEASE. Identifiers: Orphanet 366, MedGen C0017922, MONDO:0009291, OMIM 232400.

Allele frequency attached by ClinVar (database versions not stated): ExAC 0.00005; gnomAD 0.00006 and 0.00007; gnomAD exomes 0.00008 and 0.00019; TOPMed 0.00010; ESP Exome Variant Server 0.00015.
gnomAD v4.1: 284 of 1,612,992 alleles (0.018%); highest among the groups gnomAD compares: Non-Finnish European, 0.023%; 1 homozygote.

Submissions (10):

GeneDx
Classification: Uncertain significance. Last evaluated: 2026-01-16. Review status: criteria provided, single submitter. Criteria: GeneDx Variant Classification Process June 2021. Collection method: clinical testing. Allele origin: germline.
Comment: In silico analysis supports that this missense variant has a deleterious effect on protein structure/function; In silico analysis supports a deleterious effect on splicing; Has not been previously published as pathogenic or benign to our knowledge

Blueprint Genetics
Classification: Uncertain significance. Last evaluated: 2024-09-21. Review status: criteria provided, single submitter. Criteria: ACMG Guidelines, 2015. Collection method: clinical testing. Allele origin: germline.

Labcorp Genetics (formerly Invitae), Labcorp
Classification: Uncertain significance for Glycogen storage disease type III. Last evaluated: 2022-09-27. Review status: criteria provided, single submitter. Criteria: Invitae Variant Classification Sherloc (09022015). Collection method: clinical testing. Allele origin: germline.
Comment: This sequence change replaces glycine, which is neutral and non-polar, with arginine, which is basic and polar, at codon 770 of the AGL protein (p.Gly770Arg). This variant also falls at the last nucleotide of exon 17, which is part of the consensus splice site for this exon. This variant is present in population databases (rs149914040, gnomAD 0.02%). This variant has not been reported in the literature in individuals affected with AGL-related conditions. ClinVar contains an entry for this variant (Variation ID: 656315). Algorithms developed to predict the effect of missense changes on protein structure and function are either unavailable or do not agree on the potential impact of this missense change (SIFT: "Deleterious"; PolyPhen-2: "Probably Damaging"; Align-GVGD: "Class C0"). Variants that disrupt the consensus splice site are a relatively common cause of aberrant splicing (PMID: 17576681, 9536098). Algorithms developed to predict the effect of sequence changes on RNA splicing suggest that this variant may disrupt the consensus splice site. In summary, the available evidence is currently insufficient to determine the role of this variant in disease. Therefore, it has been classified as a Variant of Uncertain Significance.

Fulgent Genetics
Classification: Uncertain significance for Glycogen storage disease type III. Last evaluated: 2022-02-15. Review status: criteria provided, single submitter. Criteria: ACMG Guidelines, 2015. Collection method: clinical testing. Allele origin: unknown.

Ambry Genetics
Classification: Uncertain significance for Inborn genetic diseases. Last evaluated: 2021-10-02. Review status: criteria provided, single submitter. Criteria: Ambry Variant Classification Scheme 2023. Collection method: clinical testing. Allele origin: germline.
Comment: Occurs in the last base pair of the exon Based on insufficient or conflicting evidence, the clinical significance of this alteration remains unclear.

Genome-Nilou Lab
Classification: Uncertain significance for Glycogen storage disease type III. Last evaluated: 2021-07-15. Review status: criteria provided, single submitter. Criteria: ACMG Guidelines, 2015. Collection method: clinical testing. Allele origin: germline. Affected: no.

CeGaT Center for Human Genetics Tuebingen
Classification: Uncertain significance. Last evaluated: 2018-09-01. Review status: criteria provided, single submitter. Criteria: CeGaT Center For Human Genetics Tuebingen Variant Classification Criteria Version 2. Collection method: clinical testing. Allele origin: germline. Affected: yes. Observed: 1 variant allele.

Natera, Inc.
Classification: Uncertain significance for Glycogen storage disease type III. Last evaluated: 2020-02-21. Review status: no assertion criteria provided. Collection method: clinical testing. Allele origin: germline. Not counted in ClinVar's aggregate classification.

Dr. Peter K. Rogan Lab, Western University
No classification provided (evidence only). Condition: Thyroid cancer, nonmedullary, 1. Review status: no classification provided. Collection method: in vitro. Allele origin: not applicable. Functional consequence: retained intron. Not counted in ClinVar's aggregate classification.

Dr. Peter K. Rogan Lab, Western University
No classification provided (evidence only). Condition: Nonpapillary renal cell carcinoma. Review status: no classification provided. Collection method: in vitro. Allele origin: not applicable. Functional consequence: retained intron. Not counted in ClinVar's aggregate classification.

Literature cited by the submitters: PubMed 17576681 (cited by Labcorp Genetics (formerly Invitae), Labcorp); PubMed 9536098 (cited by Labcorp Genetics (formerly Invitae), Labcorp).